The following is an entry in ClinVar:

ClinVar aggregate classification (germline): Likely benign. Review status: criteria provided, multiple submitters, no conflicts (2 of 4 stars). 5 submissions from 5 submitters: Likely benign (4). 1 of the submissions does not count toward it. Last evaluated 2025-12-09.

Conditions:
Holoprosencephaly 3 (HPE3). Identifiers: Orphanet 2162, MedGen C1840529, MONDO:0007733, OMIM 142945.
SHH-related disorder. Also called: SHH-related condition; SHH-related disorders.

Allele frequency attached by ClinVar (database versions not stated): gnomAD exomes 0.00012 and 0.00026; gnomAD 0.00014 and 0.00015; TOPMed 0.00020; ExAC 0.00034.
gnomAD v4.1: 194 of 1,614,004 alleles (0.012%); highest among the groups gnomAD compares: Admixed American, 0.04%; no homozygotes.

Submissions (5):

Labcorp Genetics (formerly Invitae), Labcorp
Classification: Likely benign for Holoprosencephaly 3. Last evaluated: 2025-12-09. Review status: criteria provided, single submitter. Criteria: Invitae Variant Classification Sherloc (09022015). Collection method: clinical testing. Allele origin: germline.

Laboratory of Genetics, Children's Clinical University Hospital Latvia
Classification: Likely benign. Last evaluated: 2025-02-16. Review status: criteria provided, single submitter. Criteria: ACMG Guidelines, 2015. Collection method: clinical testing. Allele origin: germline. Affected: yes.

Blueprint Genetics
Classification: Likely benign. Last evaluated: 2024-10-30. Review status: criteria provided, single submitter. Criteria: ACMG Guidelines, 2015. Collection method: clinical testing. Allele origin: germline.

CeGaT Center for Human Genetics Tuebingen
Classification: Likely benign. Last evaluated: 2024-01-01. Review status: criteria provided, single submitter. Criteria: CeGaT Center For Human Genetics Tuebingen Variant Classification Criteria Version 2. Collection method: clinical testing. Allele origin: germline. Affected: yes. Observed: 2 variant alleles.
Comment: SHH: BS2

PreventionGenetics, part of Exact Sciences
Classification: Uncertain significance for SHH-related condition. Last evaluated: 2023-11-27. Review status: no assertion criteria provided. Collection method: clinical testing. Allele origin: germline. Not counted in ClinVar's aggregate classification.
Comment: The SHH c.183G>T variant is predicted to result in the amino acid substitution p.Arg61Ser. Please do not use this VC text, I have not received supplementary table yet. This variant was reported in an individual with Microphthalmia & cataract (Patel et al 2019. PubMed ID: 30653986). This variant is reported in 0.054% of alleles in individuals of Latino descent in gnomAD. Although we suspect that this variant may be benign, at this time, the clinical significance of this variant is uncertain due to the absence of conclusive functional and genetic evidence.

NM_000193.4(SHH):c.183G>T (p.Arg61Ser)

Gene: SHH (sonic hedgehog signaling molecule; minus strand). Cytogenetic location: 7q36.3.
Variant type: single nucleotide variant.
Coding change: c.183G>T on transcript NM_000193.4 (MANE Select); coding-DNA position 183, G replaced by T.
Protein change: p.Arg61Ser; replaces arginine 61 with serine.
Molecular consequence: missense variant.
Genome position (GRCh38, 1-based): chr7:155,811,940, C>A on the plus strand (G>T on the coding strand, the complement: SHH is on the minus strand). VCF-style: chr7-155811940-C-A. GRCh37 (hg19) VCF-style: chr7-155604634-C-A.
Other names: c.183G>T (NM_000193.3); short protein forms R61S.
Identifiers: ClinVar variation 783156 (VCV000783156.36), dbSNP rs776420800, ClinGen allele CA4587085.